The following is an entry in ClinVar:

NM_003073.5(SMARCB1):c.986+5G>T

Gene: SMARCB1 (SWI/SNF related BAF chromatin remodeling complex subunit B1; plus strand). Cytogenetic location: 22q11.23.
Variant type: single nucleotide variant.
Coding change: c.986+5G>T on transcript NM_003073.5 (MANE Select); 5 bases into the intron after coding-DNA position 986, G replaced by T.
Molecular consequence: intron variant.
Genome position (GRCh38, 1-based): chr22:23,825,420, G>T. VCF-style: chr22-23825420-G-T. GRCh37 (hg19) VCF-style: chr22-24167607-G-T.
Other names: c.1040+5G>T (NM_001362877.2); c.1013+5G>T (NM_001317946.2); c.959+5G>T (NM_001007468.3).
Identifiers: ClinVar variation 545094 (VCV000545094.2), dbSNP rs1555880607, ClinGen allele CA658799522.

ClinVar aggregate classification (germline): Uncertain significance. Review status: criteria provided, single submitter (1 of 4 stars). 2 submissions from 2 submitters: Uncertain significance (1). 1 of the submissions does not count toward it. Last evaluated 2025-07-24.

Submissions (2):

Labcorp Genetics (formerly Invitae), Labcorp
Classification: Uncertain significance. Last evaluated: 2025-07-24. Review status: criteria provided, single submitter. Criteria: Invitae Variant Classification Sherloc (09022015). Collection method: clinical testing. Allele origin: germline.
Comment: This sequence change falls in intron 7 of the SMARCB1 gene. It does not directly change the encoded amino acid sequence of the SMARCB1 protein. It affects a nucleotide within the consensus splice site. This variant is not present in population databases (gnomAD no frequency). This variant has not been reported in the literature in individuals affected with SMARCB1-related conditions. ClinVar contains an entry for this variant (Variation ID: 545094). Variants that disrupt the consensus splice site are a relatively common cause of aberrant splicing (PMID: 17576681, 9536098). Algorithms developed to predict the effect of sequence changes on RNA splicing suggest that this variant is not likely to affect RNA splicing. In summary, the available evidence is currently insufficient to determine the role of this variant in disease. Therefore, it has been classified as a Variant of Uncertain Significance.

Laboratory of Molecular Genetics (Pr. Bezieau's lab), CHU de Nantes
Classification: Uncertain significance. Last evaluated: 2017-11-02. Review status: no assertion criteria provided. Collection method: clinical testing. Allele origin: germline. Affected: yes. Not counted in ClinVar's aggregate classification.

Literature cited by the submitters: PubMed 17576681 (cited by Labcorp Genetics (formerly Invitae), Labcorp); PubMed 9536098 (cited by Labcorp Genetics (formerly Invitae), Labcorp).